The following is an entry in ClinVar:

ClinVar aggregate classification (germline): Likely benign. Review status: criteria provided, multiple submitters, no conflicts (2 of 4 stars). 3 submissions from 3 submitters: Likely benign (3). Last evaluated 2025-05-01.

Allele frequency attached by ClinVar (database versions not stated): gnomAD 0.00001; gnomAD exomes 0.00001; TOPMed 0.00002.
gnomAD v4.1: 19 of 1,547,510 alleles (0.0012%); highest among the groups gnomAD compares: African/African-American, 0.0069%; no homozygotes.

Submissions (3):

CeGaT Center for Human Genetics Tuebingen
Classification: Likely benign. Last evaluated: 2025-05-01. Review status: criteria provided, single submitter. Criteria: CeGaT Center For Human Genetics Tuebingen Variant Classification Criteria Version 2. Collection method: clinical testing. Allele origin: germline. Affected: yes. Observed: 1 variant allele.
Comment: SBF1: BP4, BP7

Blueprint Genetics
Classification: Likely benign. Last evaluated: 2024-11-28. Review status: criteria provided, single submitter. Criteria: ACMG Guidelines, 2015. Collection method: clinical testing. Allele origin: germline.

Labcorp Genetics (formerly Invitae), Labcorp
Classification: Likely benign. Last evaluated: 2024-09-05. Review status: criteria provided, single submitter. Criteria: Invitae Variant Classification Sherloc (09022015). Collection method: clinical testing. Allele origin: germline.

NM_002972.4(SBF1):c.666C>T (p.Asn222=)

Gene: SBF1 (SET binding factor 1; minus strand). Cytogenetic location: 22q13.33.
Variant type: single nucleotide variant.
Coding change: c.666C>T on transcript NM_002972.4 (MANE Select); coding-DNA position 666, C replaced by T.
Protein change: p.Asn222=; no amino-acid change (asparagine 222 retained).
Molecular consequence: synonymous variant.
Genome position (GRCh38, 1-based): chr22:50,466,472, G>A on the plus strand (C>T on the coding strand, the complement: SBF1 is on the minus strand). VCF-style: chr22-50466472-G-A. GRCh37 (hg19) VCF-style: chr22-50904901-G-A.
Other names: c.669C>T, p.Asn223= (NM_001365819.1).
Identifiers: ClinVar variation 1568126 (VCV001568126.19), dbSNP rs756648227, ClinGen allele CA10317999.